The following is an entry in ClinVar:

NM_004006.3(DMD):c.8303G>T (p.Gly2768Val)

Gene: DMD (dystrophin; minus strand). Cytogenetic location: Xp21.1.
Variant type: single nucleotide variant.
Coding change: c.8303G>T on transcript NM_004006.3 (MANE Select); coding-DNA position 8303, G replaced by T.
Protein change: p.Gly2768Val; replaces glycine 2768 with valine.
Molecular consequence: missense variant.
Genome position (GRCh38, 1-based): chrX:31,507,368, C>A on the plus strand (G>T on the coding strand, the complement: DMD is on the minus strand). VCF-style: chrX-31507368-C-A. GRCh37 (hg19) VCF-style: chrX-31525485-C-A.
Other names: c.8279G>T, p.Gly2760Val (NM_000109.4); c.8291G>T, p.Gly2764Val (NM_004009.3); c.7934G>T, p.Gly2645Val (NM_004010.3); c.4280G>T, p.Gly1427Val (NM_004011.4); c.4271G>T, p.Gly1424Val (NM_004012.4); c.923G>T, p.Gly308Val (NM_004013.3, NM_004020.4, NM_004021.3 and 2 more transcripts); c.116G>T, p.Gly39Val (NM_004014.3); short protein forms G1427V, G2645V, G2768V, G308V, G39V, G2760V, G2764V, G1424V.
Identifiers: ClinVar variation 4773184 (VCV004773184.1).

ClinVar aggregate classification (germline): Uncertain significance (1 of 4 stars; one submission).

Conditions:
Duchenne muscular dystrophy (DMD). Also called: MUSCULAR DYSTROPHY, PSEUDOHYPERTROPHIC PROGRESSIVE, DUCHENNE TYPE; Duchenne Muscular Dystrophy (DMD). Identifiers: Orphanet 98896, MedGen C0013264, MONDO:0010679, OMIM 310200.

Submission:

Labcorp Genetics (formerly Invitae), Labcorp
Classification: Uncertain significance for Duchenne muscular dystrophy. Last evaluated: 2025-12-27. Review status: criteria provided, single submitter. Criteria: Invitae Variant Classification Sherloc (09022015). Collection method: clinical testing. Allele origin: germline.
Comment: This sequence change replaces glycine, which is neutral and non-polar, with valine, which is neutral and non-polar, at codon 2768 of the DMD protein (p.Gly2768Val). This variant is not present in population databases (gnomAD no frequency). This variant has not been reported in the literature in individuals affected with DMD-related conditions. Invitae Evidence Modeling of protein sequence and biophysical properties (such as structural, functional, and spatial information, amino acid conservation, physicochemical variation, residue mobility, and thermodynamic stability) indicates that this missense variant is not expected to disrupt DMD protein function with a negative predictive value of 95%. In summary, the available evidence is currently insufficient to determine the role of this variant in disease. Therefore, it has been classified as a Variant of Uncertain Significance.